The following is an entry in ClinVar:

ClinVar aggregate classification (germline): Uncertain significance. Review status: criteria provided, multiple submitters, no conflicts (2 of 4 stars). 2 submissions from 2 submitters: Uncertain significance (2). Last evaluated 2023-02-28.

Conditions:
Inborn genetic diseases. Identifiers: MedGen C0950123, MeSH D030342.

Allele frequency attached by ClinVar (database versions not stated): TOPMed 0.00001; gnomAD exomes 0.00002 and 0.00001; ExAC 0.00001; gnomAD 0.00001.
gnomAD v4.1: 36 of 1,614,064 alleles (0.0022%); highest among the groups gnomAD compares: Non-Finnish European, 0.0028%; no homozygotes.

Submissions (2):

Ambry Genetics
Classification: Uncertain significance for Inborn genetic diseases. Last evaluated: 2023-02-28. Review status: criteria provided, single submitter. Criteria: Ambry Variant Classification Scheme 2023. Collection method: clinical testing. Allele origin: germline.

Labcorp Genetics (formerly Invitae), Labcorp
Classification: Uncertain significance. Last evaluated: 2021-10-12. Review status: criteria provided, single submitter. Criteria: Invitae Variant Classification Sherloc (09022015). Collection method: clinical testing. Allele origin: germline.
Comment: This sequence change replaces threonine with methionine at codon 440 of the XYLT2 protein (p.Thr440Met). The threonine residue is highly conserved and there is a moderate physicochemical difference between threonine and methionine. In summary, the available evidence is currently insufficient to determine the role of this variant in disease. Therefore, it has been classified as a Variant of Uncertain Significance. Algorithms developed to predict the effect of missense changes on protein structure and function (SIFT, PolyPhen-2, Align-GVGD) all suggest that this variant is likely to be disruptive. This variant has not been reported in the literature in individuals affected with XYLT2-related conditions. This variant is present in population databases (rs758112079, ExAC 0.001%).

NM_022167.4(XYLT2):c.1319C>T (p.Thr440Met)

Gene: XYLT2 (xylosyltransferase 2; plus strand). Cytogenetic location: 17q21.33.
Variant type: single nucleotide variant.
Coding change: c.1319C>T on transcript NM_022167.4 (MANE Select); coding-DNA position 1319, C replaced by T.
Protein change: p.Thr440Met; replaces threonine 440 with methionine.
Molecular consequence: missense variant.
Genome position (GRCh38, 1-based): chr17:50,356,098, C>T. VCF-style: chr17-50356098-C-T. GRCh37 (hg19) VCF-style: chr17-48433459-C-T.
Other names: short protein forms T440M.
Identifiers: ClinVar variation 1483306 (VCV001483306.7), dbSNP rs758112079, ClinGen allele CA8646426.